The following is an entry in ClinVar:

ClinVar aggregate classification (germline): Uncertain significance (1 of 4 stars; one submission).

Conditions:
IFT74-related disorder. Also called: IFT74-related condition; IFT74-Related Disorders.

Submission:

PreventionGenetics, part of Exact Sciences
Classification: Uncertain significance for IFT74-related condition. Last evaluated: 2025-10-01. Review status: criteria provided, single submitter. Criteria: ACMG Guidelines, 2015. Collection method: clinical testing. Allele origin: germline.
Comment: The IFT74 c.1206+2dupT variant is predicted to result in an intronic duplication. This variant is predicted to alter splicing based on available splicing prediction programs (SpliceAI, Jaganathan et al. 2019. PubMed ID: 30661751). However, such computer prediction programs are imperfect. To our knowledge, this variant has not been reported in the literature. This variant is reported in 0.00091% of alleles in individuals of European (Non-Finnish) descent in gnomAD. At this time, the clinical significance of this variant is uncertain due to the absence of conclusive functional and genetic evidence.

NM_025103.4(IFT74):c.1206+2dup

Gene: IFT74 (intraflagellar transport 74; plus strand). Cytogenetic location: 9p21.2.
Variant type: Duplication.
Coding change: c.1206+2dup on transcript NM_025103.4 (MANE Select); the canonical splice donor site of the intron after coding-DNA position 1206, one base duplicated (T; older notation c.1206+2dupT).
Molecular consequence: splice donor variant.
Genome position (GRCh38, 1-based): chr9:27,047,373, T duplicated. VCF-style (leftmost placement, unchanged base first): chr9-27047372-G-GT. GRCh37 (hg19) VCF-style: chr9-27047370-G-GT.
Other names: c.1206+2dup (NM_001099223.3, NM_001099222.3, NM_001349928.2).
Identifiers: ClinVar variation 4997341 (VCV004997341.1).
Genomic context (GRCh38, chr9:27,047,372, plus strand): 5'-CTGAAACGAAAGGCACAGATAGAAGCCAACATTGTTGCACTCTTGGAGCACTGCAGTCGA[G>GT]TGAGTACCATGTGCCTGTCTTGGTGTCCTCTTTATTTTTGCCGTGATTAACTTTCCAAAT-3'